The following is an entry in ClinVar:

NM_020843.4(SCAPER):c.3354C>T (p.Cys1118=)

Gene: SCAPER (S-phase cyclin A associated protein in the ER; minus strand). Cytogenetic location: 15q24.3.
Variant type: single nucleotide variant.
Coding change: c.3354C>T on transcript NM_020843.4 (MANE Select); coding-DNA position 3354, C replaced by T.
Protein change: p.Cys1118=; no amino-acid change (cysteine 1118 retained).
Molecular consequence: synonymous variant. On other transcripts: non-coding transcript variant (1).
Genome position (GRCh38, 1-based): chr15:76,404,637, G>A on the plus strand (C>T on the coding strand, the complement: SCAPER is on the minus strand). VCF-style: chr15-76404637-G-A. GRCh37 (hg19) VCF-style: chr15-76696978-G-A.
Other names: c.2616C>T, p.Cys872= (NM_001145923.2); c.3372C>T, p.Cys1124= (NM_001353009.2); c.2952C>T, p.Cys984= (NM_001353010.2, NM_001353012.2); c.2970C>T, p.Cys990= (NM_001353011.2).
Identifiers: ClinVar variation 4982627 (VCV004982627.1).

ClinVar aggregate classification (germline): Likely benign (1 of 4 stars; one submission).

Conditions:
SCAPER-related disorder. Also called: SCAPER-related condition.

gnomAD v4.1: 12 of 1,613,114 alleles (0.00074%); highest among the groups gnomAD compares: Non-Finnish European, 0.001%; no homozygotes.

Submission:

PreventionGenetics, part of Exact Sciences
Classification: Likely benign for SCAPER-related condition. Last evaluated: 2025-04-16. Review status: criteria provided, single submitter. Criteria: ACMG Guidelines, 2015. Collection method: clinical testing. Allele origin: germline.
Comment: This variant is classified as likely benign based on ACMG/AMP sequence variant interpretation guidelines (Richards et al. 2015 PMID: 25741868, with internal and published modifications).